The following is an entry in ClinVar:

NM_030650.3(LNPK):c.855G>A (p.Met285Ile)

Gene: LNPK (lunapark, ER junction formation factor; minus strand). Cytogenetic location: 2q31.1.
Variant type: single nucleotide variant.
Coding change: c.855G>A on transcript NM_030650.3 (MANE Select); coding-DNA position 855, G replaced by A.
Protein change: p.Met285Ile; replaces methionine 285 with isoleucine.
Molecular consequence: missense variant. On other transcripts: non-coding transcript variant (1).
Genome position (GRCh38, 1-based): chr2:175,938,341, C>T on the plus strand (G>A on the coding strand, the complement: LNPK is on the minus strand). VCF-style: chr2-175938341-C-T. GRCh37 (hg19) VCF-style: chr2-176803069-C-T.
Other names: c.1053G>A, p.Met351Ile (NM_001305008.1); c.948G>A, p.Met316Ile (NM_001305009.1); c.861G>A, p.Met287Ile (NM_001305010.1); c.486G>A, p.Met162Ile (NM_001305011.2); short protein forms M162I, M285I, M287I, M316I, M351I.
Identifiers: ClinVar variation 2502647 (VCV002502647.1), dbSNP rs2468514378, ClinGen allele CA349696400.
Genomic context (GRCh38, chr2:175,938,341, plus strand): 5'-ATATTTAAATCTCATTGCCCAATAATTCTTACCAATGTATTCAAATTCTTCCTTCAAAGC[C>T]ATGCCATTATGAGAAAAACACTGCTGACATATAAGTGCATACCTACACCGTAAGGAAAAA-3'
Protein context (NP_085153.1, residues 275-295): ICQQCFSHNG[Met285Ile]ALKEEFEYIA

ClinVar aggregate classification (germline): Uncertain significance (1 of 4 stars; one submission).

Submission:

GeneDx
Classification: Uncertain significance. Last evaluated: 2023-05-16. Review status: criteria provided, single submitter. Criteria: GeneDx Variant Classification Process June 2021. Collection method: clinical testing. Allele origin: germline. Affected: yes.
Comment: Not observed at significant frequency in large population cohorts (gnomAD); In silico analysis supports that this missense variant has a deleterious effect on protein structure/function; Has not been previously published as pathogenic or benign to our knowledge